The following is an entry in ClinVar:

NM_182961.4(SYNE1):c.24830G>C (p.Ser8277Thr)

Gene: SYNE1 (spectrin repeat containing nuclear envelope protein 1; minus strand). Cytogenetic location: 6q25.2.
Variant type: single nucleotide variant.
Coding change: c.24830G>C on transcript NM_182961.4 (MANE Select); coding-DNA position 24830, G replaced by C.
Protein change: p.Ser8277Thr; replaces serine 8277 with threonine.
Molecular consequence: missense variant.
Genome position (GRCh38, 1-based): chr6:152,148,191, C>G on the plus strand (G>C on the coding strand, the complement: SYNE1 is on the minus strand). VCF-style: chr6-152148191-C-G. GRCh37 (hg19) VCF-style: chr6-152469326-C-G.
Other names: c.1436G>C, p.Ser479Thr (NM_001347701.2); c.1295G>C, p.Ser432Thr (NM_001347702.2); c.24617G>C, p.Ser8206Thr (NM_033071.5); short protein forms S479T, S432T, S8277T, S8206T.
Identifiers: ClinVar variation 4783652 (VCV004783652.1).

ClinVar aggregate classification (germline): Uncertain significance (1 of 4 stars; one submission).

Conditions:
Autosomal recessive ataxia, Beauce type. Also called: SYNE1-Related Autosomal Recessive Cerebellar Ataxia; Spinocerebellar ataxia, autosomal recessive 8; ATAXIA, RECESSIVE, OF BEAUCE; SYNE1 Deficiency. Identifiers: Orphanet 88644, MedGen C1853116, MONDO:0012549, OMIM 610743.
Emery-Dreifuss muscular dystrophy 4, autosomal dominant (EDMD4). Also called: EMERY-DREIFUSS MUSCULAR DYSTROPHY 4 WITH VARIABLE FEATURES. Identifiers: Orphanet 261, MedGen C2751807, MONDO:0013071, OMIM 612998.

gnomAD v4.1: 1 of 1,614,218 alleles (0.000062%); highest among the groups gnomAD compares: Non-Finnish European, 0.000085%; no homozygotes.

Submission:

Labcorp Genetics (formerly Invitae), Labcorp
Classification: Uncertain significance for Emery-Dreifuss muscular dystrophy 4, autosomal dominant; Autosomal recessive ataxia, Beauce type. Last evaluated: 2025-11-04. Review status: criteria provided, single submitter. Criteria: Invitae Variant Classification Sherloc (09022015). Collection method: clinical testing. Allele origin: germline.
Comment: This sequence change replaces serine, which is neutral and polar, with threonine, which is neutral and polar, at codon 8206 of the SYNE1 protein (p.Ser8206Thr). This variant is present in population databases (no rsID available, gnomAD 0.0009%). This missense change has been observed in individual(s) with SYNE1-related conditions (PMID: 25133958). An algorithm developed to predict the effect of missense changes on protein structure and function (PolyPhen-2) suggests that this variant is likely to be disruptive. In summary, the available evidence is currently insufficient to determine the role of this variant in disease. Therefore, it has been classified as a Variant of Uncertain Significance.

Literature cited by the submitters: PubMed 25133958.